The following is an entry in ClinVar:

NM_032447.5(FBN3):c.5914G>A (p.Glu1972Lys)

Gene: FBN3 (fibrillin 3; minus strand). Cytogenetic location: 19p13.2.
Variant type: single nucleotide variant.
Coding change: c.5914G>A on transcript NM_032447.5 (MANE Select); coding-DNA position 5914, G replaced by A.
Protein change: p.Glu1972Lys; replaces glutamic acid 1972 with lysine.
Molecular consequence: missense variant.
Genome position (GRCh38, 1-based): chr19:8,091,582, C>T on the plus strand (G>A on the coding strand, the complement: FBN3 is on the minus strand). VCF-style: chr19-8091582-C-T. GRCh37 (hg19) VCF-style: chr19-8156466-C-T.
Other names: c.5914G>A (NM_032447.3); c.5914G>A, p.Glu1972Lys (NM_001321431.2); short protein forms E1972K.
Identifiers: ClinVar variation 3712771 (VCV003712771.3).

ClinVar aggregate classification (germline): Uncertain significance. Review status: criteria provided, multiple submitters, no conflicts (2 of 4 stars). 2 submissions from 2 submitters: Uncertain significance (2). Last evaluated 2025-08-09.

gnomAD v4.1: 107 of 1,613,984 alleles (0.0066%); highest among the groups gnomAD compares: East Asian, 0.21%; no homozygotes.

Submissions (2):

Ambry Genetics
Classification: Uncertain significance. Last evaluated: 2025-08-09. Review status: criteria provided, single submitter. Criteria: Ambry Variant Classification Scheme 2023. Collection method: clinical testing. Allele origin: germline.

Labcorp Genetics (formerly Invitae), Labcorp
Classification: Uncertain significance. Last evaluated: 2025-01-24. Review status: criteria provided, single submitter. Criteria: Invitae Variant Classification Sherloc (09022015). Collection method: clinical testing. Allele origin: germline.
Comment: This sequence change replaces glutamic acid, which is acidic and polar, with lysine, which is basic and polar, at codon 1972 of the FBN3 protein (p.Glu1972Lys). This variant is present in population databases (rs201729752, gnomAD 0.06%), and has an allele count higher than expected for a pathogenic variant. This variant has not been reported in the literature in individuals affected with FBN3-related conditions. Invitae Evidence Modeling of protein sequence and biophysical properties (such as structural, functional, and spatial information, amino acid conservation, physicochemical variation, residue mobility, and thermodynamic stability) indicates that this missense variant is expected to disrupt FBN3 protein function with a positive predictive value of 80%. In summary, the available evidence is currently insufficient to determine the role of this variant in disease. Therefore, it has been classified as a Variant of Uncertain Significance.